The following is an entry in ClinVar:

ClinVar aggregate classification (germline): Uncertain significance (1 of 4 stars; one submission).

Allele frequency attached by ClinVar (database versions not stated): gnomAD exomes below 0.00001.
gnomAD v4.1: 2 of 1,608,236 alleles (0.00012%); highest among the groups gnomAD compares: African/African-American, 0.0013%; no homozygotes.

Submission:

Labcorp Genetics (formerly Invitae), Labcorp
Classification: Uncertain significance. Last evaluated: 2024-01-02. Review status: criteria provided, single submitter. Criteria: Invitae Variant Classification Sherloc (09022015). Collection method: clinical testing. Allele origin: germline.
Comment: This sequence change replaces glycine, which is neutral and non-polar, with arginine, which is basic and polar, at codon 717 of the CEP78 protein (p.Gly717Arg). This variant is not present in population databases (gnomAD no frequency). This variant has not been reported in the literature in individuals affected with CEP78-related conditions. ClinVar contains an entry for this variant (Variation ID: 1909293). Algorithms developed to predict the effect of missense changes on protein structure and function output the following: SIFT: "Not Available"; PolyPhen-2: "Benign"; Align-GVGD: "Not Available". The arginine amino acid residue is found in multiple mammalian species, which suggests that this missense change does not adversely affect protein function. In summary, the available evidence is currently insufficient to determine the role of this variant in disease. Therefore, it has been classified as a Variant of Uncertain Significance.

NM_001330691.3(CEP78):c.2107+39G>A

Gene: CEP78 (centrosomal protein 78; plus strand). Cytogenetic location: 9q21.2.
Variant type: single nucleotide variant.
Coding change: c.2107+39G>A on transcript NM_001330691.3 (MANE Select); 39 bases into the intron after coding-DNA position 2107, G replaced by A.
Molecular consequence: intron variant. On other transcripts: missense variant (4).
Genome position (GRCh38, 1-based): chr9:78,266,742, G>A. VCF-style: chr9-78266742-G-A. GRCh37 (hg19) VCF-style: chr9-80881658-G-A.
Other names: c.2149G>A, p.Gly717Arg (NM_001098802.3); c.2098G>A, p.Gly700Arg (NM_001330694.2); c.2146G>A, p.Gly716Arg (NM_001349838.2); c.2101G>A, p.Gly701Arg (NM_032171.3); c.2110+39G>A (NM_001349839.2); c.2062+39G>A (NM_001349840.2); c.2059+39G>A (NM_001330693.3); short protein forms G700R, G716R, G717R, G701R.
Identifiers: ClinVar variation 1909293 (VCV001909293.5), dbSNP rs2118498617, ClinGen allele CA373868359.